The following is an entry in ClinVar:

NM_022167.4(XYLT2):c.1569T>C (p.Tyr523=)

Gene: XYLT2 (xylosyltransferase 2; plus strand). Cytogenetic location: 17q21.33.
Variant type: single nucleotide variant.
Coding change: c.1569T>C on transcript NM_022167.4 (MANE Select); coding-DNA position 1569, T replaced by C.
Protein change: p.Tyr523=; no amino-acid change (tyrosine 523 retained).
Molecular consequence: synonymous variant.
Genome position (GRCh38, 1-based): chr17:50,356,597, T>C. VCF-style: chr17-50356597-T-C. GRCh37 (hg19) VCF-style: chr17-48433958-T-C.
Other names: p.Tyr523=.
Identifiers: ClinVar variation 1227335 (VCV001227335.18), dbSNP rs4794136, ClinGen allele CA8646483.
Genomic context (GRCh38, chr17:50,356,597, plus strand): 5'-CCGGAAGTTCGAGTCGACTGTGAACCAGGAGGTGCTGGAAATCCTGGACTTCCACCTGTA[T>C]GGCAGCTACCCCCCCGGCACGCCAGCCCTCAAGGCCTACTGGGAGAACACCTACGACGCG-3'
Protein context (NP_071450.2, residues 513-533): EVLEILDFHL[Tyr523=]GSYPPGTPAL

ClinVar aggregate classification (germline): Benign. Review status: criteria provided, multiple submitters, no conflicts (2 of 4 stars). 7 submissions from 7 submitters: Benign (7). Last evaluated 2026-02-04.

Conditions:
Spondylo-ocular syndrome. Also called: Spondyloocular syndrome, autosomal recessive. Identifiers: Orphanet 85194, MedGen C4225412, MONDO:0011604, OMIM 605822.
Osteogenesis imperfecta (OI). Identifiers: Orphanet 666, MedGen C0029434, MeSH D010013, MONDO:0019019.

Allele frequency attached by ClinVar (database versions not stated): 1000 Genomes Project 0.38259; 1000 Genomes Project 30x 0.39069; ExAC 0.43631; gnomAD exomes 0.44055; gnomAD 0.46531 and 0.47479; TOPMed 0.48122; ESP Exome Variant Server 0.48462.
gnomAD v4.1: 741,163 of 1,613,914 alleles (46%); highest among the groups gnomAD compares: Admixed American, 59%; 175,905 homozygotes.

Submissions (7):

Labcorp Genetics (formerly Invitae), Labcorp
Classification: Benign. Last evaluated: 2026-02-04. Review status: criteria provided, single submitter. Criteria: Invitae Variant Classification Sherloc (09022015). Collection method: clinical testing. Allele origin: germline.

Blueprint Genetics
Classification: Benign. Last evaluated: 2024-11-28. Review status: criteria provided, single submitter. Criteria: ACMG Guidelines, 2015. Collection method: clinical testing. Allele origin: germline.

Mayo Clinic Laboratories, Mayo Clinic
Classification: Benign. Last evaluated: 2023-02-21. Review status: criteria provided, single submitter. Criteria: ACMG Guidelines, 2015. Collection method: clinical testing. Allele origin: germline. Observed: 100 variant alleles.
Comment: BA1

Genome Diagnostics Laboratory, The Hospital for Sick Children
Classification: Benign for Osteogenesis imperfecta. Last evaluated: 2022-07-18. Review status: criteria provided, single submitter. Criteria: ACMG Guidelines, 2015. Collection method: clinical testing. Allele origin: germline.

Genome-Nilou Lab
Classification: Benign for Spondylo-ocular syndrome. Last evaluated: 2021-12-05. Review status: criteria provided, single submitter. Criteria: ACMG Guidelines, 2015. Collection method: clinical testing. Allele origin: germline. Affected: no.

GeneDx
Classification: Benign. Last evaluated: 2021-05-05. Review status: criteria provided, single submitter. Criteria: GeneDx Variant Classification Process June 2021. Collection method: clinical testing. Allele origin: germline. Affected: yes.
Comment: This variant is associated with the following publications: (PMID: 16571645, 16376579)

Breakthrough Genomics
Classification: Benign. Review status: criteria provided, single submitter. Criteria: ACMG Guidelines, 2015. Collection method: not provided. Allele origin: germline. Inheritance: Autosomal recessive inheritance. Affected: yes.